The following is an entry in ClinVar:

NM_007118.4(TRIO):c.6108G>C (p.Lys2036Asn)

Gene: TRIO (trio Rho guanine nucleotide exchange factor; plus strand). Cytogenetic location: 5p15.2.
Variant type: single nucleotide variant.
Coding change: c.6108G>C on transcript NM_007118.4 (MANE Select); coding-DNA position 6108, G replaced by C.
Protein change: p.Lys2036Asn; replaces lysine 2036 with asparagine.
Molecular consequence: missense variant. On other transcripts: non-coding transcript variant (1).
Genome position (GRCh38, 1-based): chr5:14,476,918, G>C. VCF-style: chr5-14476918-G-C. GRCh37 (hg19) VCF-style: chr5-14477027-G-C.
Other names: short protein forms K2036N.
Identifiers: ClinVar variation 3810736 (VCV003810736.2).

ClinVar aggregate classification (germline): Uncertain significance. Review status: criteria provided, multiple submitters, no conflicts (2 of 4 stars). 2 submissions from 2 submitters: Uncertain significance (2). Last evaluated 2025-12-05.

Conditions:
Intellectual developmental disorder, autosomal dominant 44, with microcephaly. Also called: Micrognathia-recurrent infections-behavioral abnormalities-mild intellectual disability syndrome; TRIO-Related Intellectual Disability. Identifiers: Orphanet 476126, MedGen C4310740, MONDO:0014892, OMIM 617061.
Intellectual developmental disorder, autosomal dominant 63, with macrocephaly. Also called: MENTAL RETARDATION, AUTOSOMAL DOMINANT 63, WITH MACROCEPHALY. Identifiers: MedGen C5394205, MONDO:0032939, OMIM 618825.
Inborn genetic diseases. Identifiers: MedGen C0950123, MeSH D030342.

gnomAD v4.1: 31 of 1,613,824 alleles (0.0019%); highest among the groups gnomAD compares: Non-Finnish European, 0.0025%; no homozygotes.

Submissions (2):

Clinical Genomics Laboratory, Washington University in St. Louis
Classification: Uncertain significance for Intellectual developmental disorder, autosomal dominant 63, with macrocephaly; Intellectual developmental disorder, autosomal dominant 44, with microcephaly. Last evaluated: 2025-12-05. Review status: criteria provided, single submitter. Criteria: ACMG Guidelines, 2015. Collection method: clinical testing. Allele origin: germline.
Comment: The TRIO c.6108G>C (p.Lys2036Asn) variant, to our knowledge, has not been reported in the medical literature. This variant has been reported in the ClinVar database as a germline variant of uncertain significance by one submitter. This variant is absent from the general population (gnomAD v.2.1.1), indicating it is not a common variant. Computational predictors suggest that the variant does not impact TRIO function. Due to limited information, and based on ACMG/AMP guidelines for variant interpretation (Richards S et al., PMID: 25741868), the clinical significance of this variant is uncertain at this time.

Ambry Genetics
Classification: Uncertain significance for Inborn genetic diseases. Last evaluated: 2025-01-21. Review status: criteria provided, single submitter. Criteria: Ambry Variant Classification Scheme 2023. Collection method: clinical testing. Allele origin: germline.